The following is an entry in ClinVar:

NM_058216.3(RAD51C):c.1107A>G (p.Ser369=)

Gene: RAD51C (RAD51 paralog C; plus strand). Cytogenetic location: 17q22.
Variant type: single nucleotide variant.
Coding change: c.1107A>G on transcript NM_058216.3 (MANE Select); coding-DNA position 1107, A replaced by G.
Protein change: p.Ser369=; no amino-acid change (serine 369 retained).
Molecular consequence: synonymous variant. On other transcripts: non-coding transcript variant (1).
Genome position (GRCh38, 1-based): chr17:58,734,198, A>G. VCF-style: chr17-58734198-A-G. GRCh37 (hg19) VCF-style: chr17-56811559-A-G.
Identifiers: ClinVar variation 513666 (VCV000513666.5), dbSNP rs1555605619, ClinGen allele CA501076215.

ClinVar aggregate classification (germline): Benign/Likely benign. Review status: criteria provided, multiple submitters, no conflicts (2 of 4 stars). 3 submissions from 3 submitters: Benign (1); Likely benign (2). Last evaluated 2025-07-31.

Conditions:
Fanconi anemia complementation group O. Also called: RAD51C-Related Fanconi Anemia. Identifiers: Orphanet 84, MedGen C3150653, MONDO:0013248, OMIM 613390.
Breast-ovarian cancer, familial, susceptibility to, 3. Also called: RAD51C-Related Breast/Ovarian Cancer. Identifiers: Orphanet 145, MedGen C3150659, MONDO:0013253, OMIM 613399.

Allele frequency attached by ClinVar (database versions not stated): gnomAD exomes below 0.00001.
gnomAD v4.1: 2 of 1,612,820 alleles (0.00012%); highest among the groups gnomAD compares: Non-Finnish European, 0.00017%; no homozygotes.

Submissions (3):

Labcorp Genetics (formerly Invitae), Labcorp
Classification: Likely benign for Fanconi anemia complementation group O. Last evaluated: 2025-07-31. Review status: criteria provided, single submitter. Criteria: Invitae Variant Classification Sherloc (09022015). Collection method: clinical testing. Allele origin: germline.

Myriad Genetics, Inc.
Classification: Benign for Breast-ovarian cancer, familial, susceptibility to, 3. Last evaluated: 2025-02-19. Review status: criteria provided, single submitter. Criteria: Myriad Autosomal Dominant, Autosomal Recessive and X-Linked Classification Criteria (2023). Collection method: clinical testing. Allele origin: unknown.
Comment: This variant is considered benign. This variant is a silent/synonymous amino acid change and it is not expected to impact splicing.

GeneDx
Classification: Likely benign. Last evaluated: 2017-11-20. Review status: criteria provided, single submitter. Criteria: GeneDx Variant Classification (06012015). Collection method: clinical testing. Allele origin: germline. Affected: yes.
Comment: This variant is considered likely benign or benign based on one or more of the following criteria: it is a conservative change, it occurs at a poorly conserved position in the protein, it is predicted to be benign by multiple in silico algorithms, and/or has population frequency not consistent with disease.